The following is an entry in ClinVar:

NM_022356.4(P3H1):c.396C>G (p.Leu132=)

Gene: P3H1 (prolyl 3-hydroxylase 1; minus strand). Cytogenetic location: 1p34.2.
Variant type: single nucleotide variant.
Coding change: c.396C>G on transcript NM_022356.4 (MANE Select); coding-DNA position 396, C replaced by G.
Protein change: p.Leu132=; no amino-acid change (leucine 132 retained).
Molecular consequence: synonymous variant.
Genome position (GRCh38, 1-based): chr1:42,766,576, G>C on the plus strand (C>G on the coding strand, the complement: P3H1 is on the minus strand). VCF-style: chr1-42766576-G-C. GRCh37 (hg19) VCF-style: chr1-43232247-G-C.
Other names: c.396C>G, p.Leu132= (NM_001146289.2, NM_001243246.2); c.396C>G (NM_022356.3).
Identifiers: ClinVar variation 1158758 (VCV001158758.11), dbSNP rs748627996, ClinGen allele CA802193.

ClinVar aggregate classification (germline): Likely benign. Review status: criteria provided, single submitter (1 of 4 stars). 2 submissions from 2 submitters: Likely benign (1). 1 of the submissions does not count toward it. Last evaluated 2025-06-29.

Conditions:
Osteogenesis imperfecta type 8 (OI8). Identifiers: MedGen C1970458, MONDO:0012581, OMIM 610915.
P3H1-related disorder. Also called: P3H1-related condition.

Allele frequency attached by ClinVar (database versions not stated): gnomAD 0.00001; TOPMed 0.00001; gnomAD exomes 0.00002 and 0.00004; ExAC 0.00003.
gnomAD v4.1: 60 of 1,611,316 alleles (0.0037%); highest among the groups gnomAD compares: Non-Finnish European, 0.0048%; no homozygotes.

Submissions (2):

Labcorp Genetics (formerly Invitae), Labcorp
Classification: Likely benign for Osteogenesis imperfecta type 8. Last evaluated: 2025-06-29. Review status: criteria provided, single submitter. Criteria: Invitae Variant Classification Sherloc (09022015). Collection method: clinical testing. Allele origin: germline.

PreventionGenetics, part of Exact Sciences
Classification: Likely benign for P3H1-related condition. Last evaluated: 2020-09-23. Review status: no assertion criteria provided. Collection method: clinical testing. Allele origin: germline. Not counted in ClinVar's aggregate classification.
Comment: This variant is classified as likely benign based on ACMG/AMP sequence variant interpretation guidelines (Richards et al. 2015 PMID: 25741868, with internal and published modifications).